The following is an entry in ClinVar:

ClinVar aggregate classification (germline): Conflicting classifications of pathogenicity. Review status: criteria provided, conflicting classifications (1 of 4 stars). 2 submissions from 2 submitters: Uncertain significance (1); Likely benign (1). Last evaluated 2025-07-28.

Allele frequency attached by ClinVar (database versions not stated): gnomAD 0.00001; TOPMed 0.00001; gnomAD exomes below 0.00001.
gnomAD v4.1: 4 of 1,604,878 alleles (0.00025%); highest among the groups gnomAD compares: Admixed American, 0.0034%; no homozygotes.

Submissions (2):

Labcorp Genetics (formerly Invitae), Labcorp
Classification: Likely benign. Last evaluated: 2025-07-28. Review status: criteria provided, single submitter. Criteria: Invitae Variant Classification Sherloc (09022015). Collection method: clinical testing. Allele origin: germline.

GeneDx
Classification: Uncertain significance. Last evaluated: 2019-09-09. Review status: criteria provided, single submitter. Criteria: GeneDx Variant Classification Process June 2021. Collection method: clinical testing. Allele origin: germline. Affected: yes.
Comment: Not observed at a significant frequency in large population cohorts (Lek et al., 2016); In silico analysis, which includes protein predictors and evolutionary conservation, supports a deleterious effect; Has not been previously published as pathogenic or benign to our knowledge

NM_014727.3(KMT2B):c.5429C>T (p.Pro1810Leu)

Gene: KMT2B (lysine methyltransferase 2B; plus strand). Cytogenetic location: 19q13.12.
Variant type: single nucleotide variant.
Coding change: c.5429C>T on transcript NM_014727.3 (MANE Select); coding-DNA position 5429, C replaced by T.
Protein change: p.Pro1810Leu; replaces proline 1810 with leucine.
Molecular consequence: missense variant.
Genome position (GRCh38, 1-based): chr19:35,730,859, C>T. VCF-style: chr19-35730859-C-T. GRCh37 (hg19) VCF-style: chr19-36221760-C-T.
Other names: short protein forms P1810L.
Identifiers: ClinVar variation 1309965 (VCV001309965.5), dbSNP rs1378884779, ClinGen allele CA405421955.
Genomic context (GRCh38, chr19:35,730,859, plus strand): 5'-AAGAGCCAGCTCACCTGGAGGCTGCAGAGGAGAACCAGACCATTGTGCACAGCCCCGCCC[C>T]TTCCTCAGGTGTGGCTTTGGCTCTGTCTTCTTCCTGAATACCGCTCTCCCTAAACAAACC-3'
Protein context (NP_055542.1, residues 1800-1820): ENQTIVHSPA[Pro1810Leu]SSEPPGGEDP